The following is an entry in ClinVar:

ClinVar aggregate classification (germline): Uncertain significance (1 of 4 stars; one submission).

Allele frequency attached by ClinVar (database versions not stated): gnomAD exomes below 0.00001; ExAC 0.00001; 1000 Genomes Project 30x 0.00016; 1000 Genomes Project 0.00020.
gnomAD v4.1: 3 of 1,613,442 alleles (0.00019%); highest among the groups gnomAD compares: African/African-American, 0.0027%; no homozygotes.

Submission:

GeneDx
Classification: Uncertain significance. Last evaluated: 2023-03-21. Review status: criteria provided, single submitter. Criteria: GeneDx Variant Classification Process June 2021. Collection method: clinical testing. Allele origin: germline. Affected: yes.
Comment: Reported in the heterozygous state in a patient with recurrent strokes (Monies et al., 2019); In silico analysis supports that this missense variant has a deleterious effect on protein structure/function; Not observed at significant frequency in large population cohorts (gnomAD); This variant is associated with the following publications: (PMID: 31130284)

NM_000313.4(PROS1):c.1990C>T (p.His664Tyr)

Gene: PROS1 (protein S; minus strand). Cytogenetic location: 3q11.1.
Variant type: single nucleotide variant.
Coding change: c.1990C>T on transcript NM_000313.4 (MANE Select); coding-DNA position 1990, C replaced by T.
Protein change: p.His664Tyr; replaces histidine 664 with tyrosine.
Molecular consequence: missense variant.
Genome position (GRCh38, 1-based): chr3:93,874,286, G>A on the plus strand (C>T on the coding strand, the complement: PROS1 is on the minus strand). VCF-style: chr3-93874286-G-A. GRCh37 (hg19) VCF-style: chr3-93593130-G-A.
Other names: c.2086C>T, p.His696Tyr (NM_001314077.2); short protein forms H664Y, H696Y.
Identifiers: ClinVar variation 2580615 (VCV002580615.1), dbSNP rs147324335, ClinGen allele CA2503059.